The following is an entry in ClinVar:

NM_001170535.3(ATAD3A):c.1499G>T (p.Gly500Val)

Gene: ATAD3A (ATPase family AAA domain containing 3A; plus strand). Cytogenetic location: 1p36.33.
Variant type: single nucleotide variant.
Coding change: c.1499G>T on transcript NM_001170535.3 (MANE Select); coding-DNA position 1499, G replaced by T.
Protein change: p.Gly500Val; replaces glycine 500 with valine.
Molecular consequence: missense variant.
Genome position (GRCh38, 1-based): chr1:1,527,856, G>T. VCF-style: chr1-1527856-G-T. GRCh37 (hg19) VCF-style: chr1-1463236-G-T.
Other names: c.1262G>T, p.Gly421Val (NM_001170536.3); c.1643G>T, p.Gly548Val (NM_018188.5); short protein forms G421V, G500V, G548V.
Identifiers: ClinVar variation 3376580 (VCV003376580.1).

ClinVar aggregate classification (germline): Uncertain significance (1 of 4 stars; one submission).

Conditions:
Harel-Yoon syndrome (HAYOS). Also called: Optic atrophy-peripheral neuropathy-developmental delay syndrome. Identifiers: Orphanet 496790, MedGen C4310677, MONDO:0014958, OMIM 617183.

Submission:

Victorian Clinical Genetics Services, Murdoch Childrens Research Institute
Classification: Uncertain significance for Harel-Yoon syndrome. Last evaluated: 2021-05-06. Review status: criteria provided, single submitter. Criteria: ACMG Guidelines, 2015. Collection method: clinical testing. Allele origin: germline. Inheritance: Autosomal dominant inheritance. Affected: yes.
Comment: Based on the classification scheme VCGS_Germline_v1.3.4, this variant is classified as 3B-VUS. Following criteria are met: 0103 - Dominant negative and loss of function are known mechanisms of disease in this gene and are associated with Harel-Yoon syndrome (MIM#617183). Dominant negative has been described for variants resulting in dominant disease, whereas biallelic variants cause a loss of function (PMID: 32004445). (I) 0108 - This gene is associated with both recessive and dominant disease. Harel-Yoon syndrome (MIM#617183) is usually inherited in a dominant manner, whereas the more severe phenotype of neonatal lethal pontocerebellar hypoplasia, hypotonia and respiratory insufficiency syndrome (MIM#618810) is recessive (OMIM). (I) 0200 - Variant is predicted to result in a missense amino acid change from glycine to valine. (I) 0251 - This variant is heterozygous. (I) 0301 - Variant is absent from gnomAD (both v2 and v3). (SP) 0309 - An alternative amino acid change at the same position has been observed in gnomAD (v3) (1 heterozygote, 0 homozygotes). (I) 0501 - Missense variant consistently predicted to be damaging by multiple in silico tools or highly conserved with a major amino acid change. (SP) 0604 - Variant is not located in an established domain, motif, hotspot or informative constraint region. (I) 0705 - No comparable missense variants have previous evidence for pathogenicity. (I) 0807 - This variant has no previous evidence of pathogenicity. (I) 0905 - No published segregation evidence has been identified for this variant. (I) 1007 - No published functional evidence has been identified for this variant. (I) 1208 - Inheritance information for this variant is not currently available in this individual. (I) Legend: (SP) - Supporting pathogenic, (I) - Information, (SB) - Supporting benign

Literature cited by the submitters: PubMed 32004445.